The following is an entry in ClinVar:

NM_000718.4(CACNA1B):c.1925C>T (p.Pro642Leu)

Gene: CACNA1B (calcium voltage-gated channel subunit alpha1 B; plus strand). Cytogenetic location: 9q34.3.
Variant type: single nucleotide variant.
Coding change: c.1925C>T on transcript NM_000718.4 (MANE Select); coding-DNA position 1925, C replaced by T.
Protein change: p.Pro642Leu; replaces proline 642 with leucine.
Molecular consequence: missense variant.
Genome position (GRCh38, 1-based): chr9:137,986,805, C>T. VCF-style: chr9-137986805-C-T. GRCh37 (hg19) VCF-style: chr9-140881257-C-T.
Other names: c.1925C>T (NM_000718.3); c.1925C>T, p.Pro642Leu (NM_001243812.2); short protein forms P642L.
Identifiers: ClinVar variation 1967346 (VCV001967346.6), dbSNP rs201484311, ClinGen allele CA201844543.

ClinVar aggregate classification (germline): Uncertain significance. Review status: criteria provided, multiple submitters, no conflicts (2 of 4 stars). 2 submissions from 2 submitters: Uncertain significance (2). Last evaluated 2025-11-05.

Submissions (2):

Ambry Genetics
Classification: Uncertain significance. Last evaluated: 2025-11-05. Review status: criteria provided, single submitter. Criteria: Ambry Variant Classification Scheme 2023. Collection method: clinical testing. Allele origin: germline.

Labcorp Genetics (formerly Invitae), Labcorp
Classification: Uncertain significance. Last evaluated: 2022-05-28. Review status: criteria provided, single submitter. Criteria: Invitae Variant Classification Sherloc (09022015). Collection method: clinical testing. Allele origin: germline.
Comment: In summary, the available evidence is currently insufficient to determine the role of this variant in disease. Therefore, it has been classified as a Variant of Uncertain Significance. Advanced modeling of protein sequence and biophysical properties (such as structural, functional, and spatial information, amino acid conservation, physicochemical variation, residue mobility, and thermodynamic stability) performed at Invitae indicates that this missense variant is expected to disrupt CACNA1B protein function. This sequence change replaces proline, which is neutral and non-polar, with leucine, which is neutral and non-polar, at codon 642 of the CACNA1B protein (p.Pro642Leu). This variant is not present in population databases (gnomAD no frequency). This variant has not been reported in the literature in individuals affected with CACNA1B-related conditions.